The following is an entry in ClinVar:

ClinVar aggregate classification (germline): Uncertain significance (1 of 4 stars; one submission).

gnomAD v4.1: 1 of 1,614,028 alleles (0.000062%); highest among the groups gnomAD compares: Non-Finnish European, 0.000085%; no homozygotes.

Submission:

Dasa
Classification: Uncertain significance. Last evaluated: 2025-06-21. Review status: criteria provided, single submitter. Criteria: DASA Assertion Criteria. Collection method: clinical testing. Allele origin: germline.
Comment: NM_015001.3(SPEN):c.10238C>G (p.Pro3413Arg) is a missense variant that results in the substitution of proline with arginine. This variant is rare in population databases. The currently available literature and clinical evidence are not sufficient to establish a definitive association between this variant and the reported condition. Therefore, this variant is classified as a variant of uncertain significance.

NM_015001.3(SPEN):c.10238C>G (p.Pro3413Arg)

Gene: SPEN (spen family transcriptional repressor; plus strand). Cytogenetic location: 1p36.13.
Variant type: single nucleotide variant.
Coding change: c.10238C>G on transcript NM_015001.3 (MANE Select); coding-DNA position 10238, C replaced by G.
Protein change: p.Pro3413Arg; replaces proline 3413 with arginine.
Molecular consequence: missense variant.
Genome position (GRCh38, 1-based): chr1:15,937,374, C>G. VCF-style: chr1-15937374-C-G. GRCh37 (hg19) VCF-style: chr1-16263869-C-G.
Other names: short protein forms P3413R.
Identifiers: ClinVar variation 4881727 (VCV004881727.2).